The following is an entry in ClinVar:

ClinVar aggregate classification (germline): Benign/Likely benign. Review status: criteria provided, multiple submitters, no conflicts (2 of 4 stars). 3 submissions from 3 submitters: Benign (2); Likely benign (1). Last evaluated 2021-05-12.

Conditions:
Episodic ataxia type 1 (EA1). Also called: ATAXIA, EPISODIC, WITH MYOKYMIA; MYOKYMIA WITH PERIODIC ATAXIA; PAROXYSMAL ATAXIA WITH NEUROMYOTONIA, HEREDITARY; Episodic ataxia/myokymia syndrome. Identifiers: Orphanet 37612, Orphanet 972, MedGen C1719788, MONDO:0008047, OMIM 160120.

Allele frequency attached by ClinVar (database versions not stated): 1000 Genomes Project 30x 0.03404; 1000 Genomes Project 0.03494; gnomAD exomes 0.07270; gnomAD 0.04497 and 0.04515; TOPMed 0.04293.

Submissions (3):

GeneDx
Classification: Benign. Last evaluated: 2021-05-12. Review status: criteria provided, single submitter. Criteria: GeneDx Variant Classification Process June 2021. Collection method: clinical testing. Allele origin: germline. Affected: yes.

Illumina Laboratory Services, Illumina
Classification: Benign for Episodic ataxia type 1. Last evaluated: 2018-01-12. Review status: criteria provided, single submitter. Criteria: ICSL Variant Classification Criteria 13 December 2019. Collection method: clinical testing. Allele origin: germline.
Comment: This variant was observed in the ICSL laboratory as part of a predisposition screen in an ostensibly healthy population. It had not been previously curated by ICSL or reported in the Human Gene Mutation Database (HGMD: prior to June 1st, 2018), and was therefore a candidate for classification through an automated scoring system. Utilizing variant allele frequency, disease prevalence and penetrance estimates, and inheritance mode, an automated score was calculated to assess if this variant is too frequent to cause the disease. Based on the score and internal cut-off values, a variant classified as benign is not then subjected to further curation. The score for this variant resulted in a classification of benign for this disease.

Breakthrough Genomics
Classification: Likely benign. Review status: criteria provided, single submitter. Criteria: ACMG Guidelines, 2015. Collection method: not provided. Allele origin: germline. Inheritance: Autosomal dominant inheritance. Affected: yes.

NM_000217.3(KCNA1):c.*2174C>T

Gene: KCNA1 (potassium voltage-gated channel subfamily A member 1; plus strand). Cytogenetic location: 12p13.32.
Variant type: single nucleotide variant.
Coding change: c.*2174C>T on transcript NM_000217.3 (MANE Select); 2174 bases downstream of the stop codon, C replaced by T.
Molecular consequence: 3 prime UTR variant.
Genome position (GRCh38, 1-based): chr12:4,915,040, C>T. VCF-style: chr12-4915040-C-T. GRCh37 (hg19) VCF-style: chr12-5024206-C-T.
Identifiers: ClinVar variation 309182 (VCV000309182.9), dbSNP rs73050551, ClinGen allele CA10642520.
Genomic context (GRCh38, chr12:4,915,040, plus strand): 5'-AGTCTTTTCAGGCATTGTTGTGGATGTGGGAACACTCAGTTCATAATAACCTTTCCTAGG[C>T]CTTCCCTCCTGGTCTACCCCTTTCAGATATTTCCTGATGCCCCTATGATCTTCCCACCTG-3'